The following is an entry in ClinVar:

NM_182931.3(KMT2E):c.1451G>T (p.Gly484Val)

Gene: KMT2E (lysine methyltransferase 2E (inactive); plus strand). Cytogenetic location: 7q22.3.
Variant type: single nucleotide variant.
Coding change: c.1451G>T on transcript NM_182931.3 (MANE Select); coding-DNA position 1451, G replaced by T.
Protein change: p.Gly484Val; replaces glycine 484 with valine.
Molecular consequence: missense variant.
Genome position (GRCh38, 1-based): chr7:105,090,101, G>T. VCF-style: chr7-105090101-G-T. GRCh37 (hg19) VCF-style: chr7-104730548-G-T.
Other names: c.1451G>T, p.Gly484Val (NM_001410908.1, NM_018682.4); short protein forms G484V.
Identifiers: ClinVar variation 2497845 (VCV002497845.1), dbSNP rs2536462031, ClinGen allele CA368782242.

ClinVar aggregate classification (germline): Uncertain significance (1 of 4 stars; one submission).

Submission:

GeneDx
Classification: Uncertain significance. Last evaluated: 2022-10-07. Review status: criteria provided, single submitter. Criteria: GeneDx Variant Classification Process June 2021. Collection method: clinical testing. Allele origin: germline. Affected: yes.
Comment: Not observed at significant frequency in large population cohorts (gnomAD); In silico analysis supports that this missense variant has a deleterious effect on protein structure/function; Has not been previously published as pathogenic or benign to our knowledge